The following is an entry in ClinVar:

ClinVar aggregate classification (germline): Uncertain significance. Review status: criteria provided, multiple submitters, no conflicts (2 of 4 stars). 2 submissions from 2 submitters: Uncertain significance (2). Last evaluated 2024-02-26.

Conditions:
Pierson syndrome. Also called: MICROCORIA-CONGENITAL NEPHROTIC SYNDROME. Identifiers: Orphanet 2670, MedGen C1836876, MONDO:0012184, OMIM 609049.
LAMB2-related infantile-onset nephrotic syndrome. Also called: Nephrotic Syndrome, type 5; NEPHROTIC SYNDROME, TYPE 5, WITHOUT OCULAR ABNORMALITIES; NEPHROTIC SYNDROME, TYPE 5, WITH OCULAR ABNORMALITIES. Identifiers: Orphanet 306507, MedGen C3280113, MONDO:0013621, OMIM 614199.

Allele frequency attached by ClinVar (database versions not stated): gnomAD exomes 0.00002 and 0.00008; ExAC 0.00012; gnomAD 0.00013 and 0.00014; TOPMed 0.00017; ESP Exome Variant Server 0.00062.
gnomAD v4.1: 53 of 1,609,786 alleles (0.0033%); highest among the groups gnomAD compares: African/African-American, 0.041%; no homozygotes.

Submissions (2):

Fulgent Genetics
Classification: Uncertain significance for Pierson syndrome; LAMB2-related infantile-onset nephrotic syndrome. Last evaluated: 2024-02-26. Review status: criteria provided, single submitter. Criteria: ACMG Guidelines, 2015. Collection method: clinical testing. Allele origin: germline.

Labcorp Genetics (formerly Invitae), Labcorp
Classification: Uncertain significance for LAMB2-related infantile-onset nephrotic syndrome; Pierson syndrome. Last evaluated: 2022-06-27. Review status: criteria provided, single submitter. Criteria: Invitae Variant Classification Sherloc (09022015). Collection method: clinical testing. Allele origin: germline.
Comment: In summary, the available evidence is currently insufficient to determine the role of this variant in disease. Therefore, it has been classified as a Variant of Uncertain Significance. Algorithms developed to predict the effect of missense changes on protein structure and function output the following: SIFT: "Tolerated"; PolyPhen-2: "Benign"; Align-GVGD: "Class C0". The alanine amino acid residue is found in multiple mammalian species, which suggests that this missense change does not adversely affect protein function. This variant has not been reported in the literature in individuals affected with LAMB2-related conditions. This variant is present in population databases (rs146110649, gnomAD 0.08%). This sequence change replaces threonine, which is neutral and polar, with alanine, which is neutral and non-polar, at codon 1480 of the LAMB2 protein (p.Thr1480Ala).

NM_002292.4(LAMB2):c.4438A>G (p.Thr1480Ala)

Gene: LAMB2 (laminin subunit beta 2; minus strand). Cytogenetic location: 3p21.31.
Variant type: single nucleotide variant.
Coding change: c.4438A>G on transcript NM_002292.4 (MANE Select); coding-DNA position 4438, A replaced by G.
Protein change: p.Thr1480Ala; replaces threonine 1480 with alanine.
Molecular consequence: missense variant.
Genome position (GRCh38, 1-based): chr3:49,122,839, T>C on the plus strand (A>G on the coding strand, the complement: LAMB2 is on the minus strand). VCF-style: chr3-49122839-T-C. GRCh37 (hg19) VCF-style: chr3-49160272-T-C.
Other names: short protein forms T1480A.
Identifiers: ClinVar variation 1421435 (VCV001421435.7), dbSNP rs146110649, ClinGen allele CA2393789.
Genomic context (GRCh38, chr3:49,122,839, plus strand): 5'-CATTAGCCTTGTCCAGGGCTGCCTGGGCCCGCTGCTGTGCCTCGCTTGCCTGCCGACGAG[T>C]CTCAGCCACTCTGCTGAGGATGCTACCACCTTCTGCCAGTGCCCGCTGCAGCTCTGCCTG-3'
Protein context (NP_002283.3, residues 1470-1490): GGSILSRVAE[Thr1480Ala]RRQASEAQQR